The following is an entry in ClinVar:

ClinVar aggregate classification (germline): Uncertain significance (1 of 4 stars; one submission).

Conditions:
Early-infantile DEE. Also called: Early infantile epileptic encephalopathy; Ohtahara syndrome; Early infantile epileptic encephalopathy with suppression bursts. Identifiers: Orphanet 1934, MedGen C0393706, MONDO:0800491.

Allele frequency attached by ClinVar (database versions not stated): gnomAD 0.00001; gnomAD exomes below 0.00001.
gnomAD v4.1: 2 of 1,613,326 alleles (0.00012%); highest among the groups gnomAD compares: African/African-American, 0.0013%; no homozygotes.

Submission:

Labcorp Genetics (formerly Invitae), Labcorp
Classification: Uncertain significance for Early-infantile DEE. Last evaluated: 2024-02-16. Review status: criteria provided, single submitter. Criteria: Invitae Variant Classification Sherloc (09022015). Collection method: clinical testing. Allele origin: germline.
Comment: This sequence change replaces aspartic acid, which is acidic and polar, with asparagine, which is neutral and polar, at codon 341 of the GNAO1 protein (p.Asp341Asn). This variant is not present in population databases (gnomAD no frequency). This variant has not been reported in the literature in individuals affected with GNAO1-related conditions. ClinVar contains an entry for this variant (Variation ID: 2053763). Advanced modeling of protein sequence and biophysical properties (such as structural, functional, and spatial information, amino acid conservation, physicochemical variation, residue mobility, and thermodynamic stability) performed at Invitae indicates that this missense variant is expected to disrupt GNAO1 protein function with a positive predictive value of 80%. In summary, the available evidence is currently insufficient to determine the role of this variant in disease. Therefore, it has been classified as a Variant of Uncertain Significance.

NM_020988.3(GNAO1):c.1021G>A (p.Asp341Asn)

Gene: GNAO1 (G protein subunit alpha o1; plus strand). Cytogenetic location: 16q13.
Variant type: single nucleotide variant.
Coding change: c.1021G>A on transcript NM_020988.3 (MANE Select); coding-DNA position 1021, G replaced by A.
Protein change: p.Asp341Asn; replaces aspartic acid 341 with asparagine.
Molecular consequence: missense variant.
Genome position (GRCh38, 1-based): chr16:56,355,009, G>A. VCF-style: chr16-56355009-G-A. GRCh37 (hg19) VCF-style: chr16-56388921-G-A.
Other names: short protein forms D341N.
Identifiers: ClinVar variation 2053763 (VCV002053763.4), dbSNP rs2037954681, ClinGen allele CA395955324.